The following is an entry in ClinVar:

NM_001384900.1(SEMA3D):c.1191+2T>C

Gene: SEMA3D (semaphorin 3D; minus strand). Cytogenetic location: 7q21.11.
Variant type: single nucleotide variant.
Coding change: c.1191+2T>C on transcript NM_001384900.1 (MANE Select); the canonical splice donor site of the intron after coding-DNA position 1191, T replaced by C.
Molecular consequence: splice donor variant.
Genome position (GRCh38, 1-based): chr7:85,036,887, A>G on the plus strand (T>C on the coding strand, the complement: SEMA3D is on the minus strand). VCF-style: chr7-85036887-A-G. GRCh37 (hg19) VCF-style: chr7-84666203-A-G.
Other names: c.1191+2T>C (NM_001384901.1, NM_001384903.1, NM_001384902.1 and 1 more transcripts).
Identifiers: ClinVar variation 4995225 (VCV004995225.1).

ClinVar aggregate classification (germline): Uncertain significance (1 of 4 stars; one submission).

Conditions:
SEMA3D-related disorder. Also called: SEMA3D-related condition.

Submission:

PreventionGenetics, part of Exact Sciences
Classification: Uncertain significance for SEMA3D-related condition. Last evaluated: 2026-06-11. Review status: criteria provided, single submitter. Criteria: ACMG Guidelines, 2015. Collection method: clinical testing. Allele origin: germline.
Comment: The SEMA3D c.1191+2T>C variant is predicted to disrupt the GT donor site and interfere with normal splicing. To our knowledge, this variant has not been reported in the literature or in a large population database (gnomAD), indicating this variant is rare. At this time, the clinical significance of this variant is uncertain due to the absence of conclusive functional and genetic evidence.